The following is an entry in ClinVar:

NM_003285.3(TNR):c.1267T>C (p.Phe423Leu)

Gene: TNR (tenascin R; minus strand). Cytogenetic location: 1q25.1.
Variant type: single nucleotide variant.
Coding change: c.1267T>C on transcript NM_003285.3 (MANE Select); coding-DNA position 1267, T replaced by C.
Protein change: p.Phe423Leu; replaces phenylalanine 423 with leucine.
Molecular consequence: missense variant.
Genome position (GRCh38, 1-based): chr1:175,393,869, A>G on the plus strand (T>C on the coding strand, the complement: TNR is on the minus strand). VCF-style: chr1-175393869-A-G. GRCh37 (hg19) VCF-style: chr1-175363005-A-G.
Other names: c.268T>C, p.Phe90Leu (NM_001328635.2); short protein forms F423L, F90L.
Identifiers: ClinVar variation 1805597 (VCV001805597.1), dbSNP rs770346593, ClinGen allele CA1255969.

ClinVar aggregate classification (germline): Uncertain significance (1 of 4 stars; one submission).

Conditions:
Neurodevelopmental disorder, nonprogressive, with spasticity and transient opisthotonus. Identifiers: MedGen C5562040, MONDO:0859212, OMIM 619653.

Allele frequency attached by ClinVar (database versions not stated): ExAC 0.00001; gnomAD 0.00002; gnomAD exomes 0.00002; TOPMed 0.00003.
gnomAD v4.1: 38 of 1,614,084 alleles (0.0024%); highest among the groups gnomAD compares: Non-Finnish European, 0.0031%; no homozygotes.

Submission:

Victorian Clinical Genetics Services, Murdoch Childrens Research Institute
Classification: Uncertain significance for Neurodevelopmental disorder, nonprogressive, with spasticity and transient opisthotonus. Last evaluated: 2020-10-19. Review status: criteria provided, single submitter. Criteria: ACMG Guidelines, 2015. Collection method: clinical testing. Allele origin: germline. Inheritance: Autosomal recessive inheritance.
Comment: Based on the classification scheme VCGS_Germline_v1.1.1, this variant is classified as 3B-VUS. Following criteria are met: 0102 - Loss-of-function is a likely mechanism of disease for this gene (PMID: 32099069). (N) 0106 - This gene is known to be associated with autosomal recessive disease (PMID: 32099069). (N) 0200 - Variant is predicted to result in a missense amino acid change from phenylalanine to leucine (exon 6). (N) 0251 - Variant is heterozygous. (N) 0304 - Variant is present in gnomAD <0.01 for a recessive condition (4 heterozygotes, 0 homozygotes). (P) 0502 - Missense variant with conflicting in silico predictions. (N) 0600 - Variant is located in an annotated domain or motif (Fibronectin type III domain; NCBI). (N) 0705 - No comparable variants have previous evidence for pathogenicity. (N) 0807 - Variant has not previously been reported in a clinical context. (N) 0905 - No segregation evidence has been identified for this variant. (N) 1007 - No published functional evidence has been identified for this variant. (N) 1208 - Inheritance information for this variant is not currently available. (N) Legend: (P) - Pathogenic, (N) - Neutral, (B) - Benign

Literature cited by the submitters: PubMed 32099069.